The following is an entry in ClinVar:

ClinVar aggregate classification (germline): Benign (0 of 4 stars; one submission).

Conditions:
CLPTM1-related disorder. Also called: CLPTM1-related condition.

Allele frequency attached by ClinVar (database versions not stated): 1000 Genomes Project 0.00060; 1000 Genomes Project 30x 0.00062; gnomAD 0.00080; TOPMed 0.00086; gnomAD exomes 0.00096; ESP Exome Variant Server 0.00100; ExAC 0.00114.
gnomAD v4.1: 1,566 of 1,613,962 alleles (0.097%); highest among the groups gnomAD compares: Middle Eastern, 0.17%; 5 homozygotes.

Submission:

PreventionGenetics, part of Exact Sciences
Classification: Benign for CLPTM1-related condition. Last evaluated: 2019-03-29. Review status: no assertion criteria provided. Collection method: clinical testing. Allele origin: germline.
Comment: This variant is classified as benign based on ACMG/AMP sequence variant interpretation guidelines (Richards et al. 2015 PMID: 25741868, with internal and published modifications).

NM_001294.4(CLPTM1):c.1433A>G (p.Tyr478Cys)

Gene: CLPTM1 (CLPTM1 regulator of GABA type A receptor forward trafficking; plus strand). Cytogenetic location: 19q13.32.
Variant type: single nucleotide variant.
Coding change: c.1433A>G on transcript NM_001294.4 (MANE Select); coding-DNA position 1433, A replaced by G.
Protein change: p.Tyr478Cys; replaces tyrosine 478 with cysteine.
Molecular consequence: missense variant.
Genome position (GRCh38, 1-based): chr19:44,991,251, A>G. VCF-style: chr19-44991251-A-G. GRCh37 (hg19) VCF-style: chr19-45494509-A-G.
Other names: c.1391A>G, p.Tyr464Cys (NM_001282175.2); c.1127A>G, p.Tyr376Cys (NM_001282176.2); short protein forms Y376C, Y464C, Y478C.
Identifiers: ClinVar variation 3051766 (VCV003051766.2), dbSNP rs140564801, ClinGen allele CA9507193.